The following is an entry in ClinVar:

ClinVar aggregate classification (germline): Uncertain significance (1 of 4 stars; one submission).

Conditions:
Cone-rod dystrophy 6 (CORD6). Also called: Cone dystrophy progressive; RETINAL CONE DYSTROPHY 2. Identifiers: Orphanet 1872, MedGen C1866293, MONDO:0011143, OMIM 601777.
Leber congenital amaurosis 1 (LCA1). Also called: Congenital absence of the rods and cones; Leber's congenital tapetoretinal degeneration; Leber's congenital tapetoretinal dysplasia; AMAUROSIS CONGENITA OF LEBER I; RETINAL BLINDNESS, CONGENITAL. Identifiers: Orphanet 65, MedGen C2931258, MONDO:0008764, OMIM 204000.

Submission:

Labcorp Genetics (formerly Invitae), Labcorp
Classification: Uncertain significance for Leber congenital amaurosis 1; Cone-rod dystrophy 6. Last evaluated: 2023-06-01. Review status: criteria provided, single submitter. Criteria: Invitae Variant Classification Sherloc (09022015). Collection method: clinical testing. Allele origin: germline.
Comment: This sequence change replaces aspartic acid, which is acidic and polar, with glutamic acid, which is acidic and polar, at codon 421 of the GUCY2D protein (p.Asp421Glu). In summary, the available evidence is currently insufficient to determine the role of this variant in disease. Therefore, it has been classified as a Variant of Uncertain Significance. Advanced modeling of protein sequence and biophysical properties (such as structural, functional, and spatial information, amino acid conservation, physicochemical variation, residue mobility, and thermodynamic stability) performed at Invitae indicates that this missense variant is not expected to disrupt GUCY2D protein function. This variant has not been reported in the literature in individuals affected with GUCY2D-related conditions. This variant is not present in population databases (gnomAD no frequency).

NM_000180.4(GUCY2D):c.1263T>A (p.Asp421Glu)

Gene: GUCY2D (guanylate cyclase 2D, retinal; plus strand). Cytogenetic location: 17p13.1.
Variant type: single nucleotide variant.
Coding change: c.1263T>A on transcript NM_000180.4 (MANE Select); coding-DNA position 1263, T replaced by A.
Protein change: p.Asp421Glu; replaces aspartic acid 421 with glutamic acid.
Molecular consequence: missense variant.
Genome position (GRCh38, 1-based): chr17:8,006,599, T>A. VCF-style: chr17-8006599-T-A. GRCh37 (hg19) VCF-style: chr17-7909917-T-A.
Other names: short protein forms D421E.
Identifiers: ClinVar variation 2947837 (VCV002947837.3), dbSNP rs2545420415, ClinGen allele CA397948131.